The following is an entry in ClinVar:

NM_001005273.3(CHD3):c.4948A>G (p.Arg1650Gly)

Gene: CHD3 (chromodomain helicase DNA binding protein 3; plus strand). Cytogenetic location: 17p13.1.
Variant type: single nucleotide variant.
Coding change: c.4948A>G on transcript NM_001005273.3 (MANE Select); coding-DNA position 4948, A replaced by G.
Protein change: p.Arg1650Gly; replaces arginine 1650 with glycine.
Molecular consequence: missense variant. On other transcripts: intron variant (2).
Genome position (GRCh38, 1-based): chr17:7,907,624, A>G. VCF-style: chr17-7907624-A-G. GRCh37 (hg19) VCF-style: chr17-7810942-A-G.
Other names: c.5125A>G, p.Arg1709Gly (NM_001005271.3, NM_001437504.1); c.5113A>G, p.Arg1705Gly (NM_001437507.1, NM_001437509.1); c.5089+136A>G (NM_001437508.1); c.4924+136A>G (NM_005852.4); short protein forms R1650G, R1705G, R1709G.
Identifiers: ClinVar variation 4536981 (VCV004536981.1).

ClinVar aggregate classification (germline): Uncertain significance (1 of 4 stars; one submission).

Submission:

Women's Health and Genetics/Laboratory Corporation of America, LabCorp
Classification: Uncertain significance. Last evaluated: 2025-11-07. Review status: criteria provided, single submitter. Criteria: LabCorp Variant Classification Summary - May 2015. Collection method: clinical testing. Allele origin: germline.
Comment: Variant summary: CHD3 c.4948A>G (p.Arg1650Gly) results in a non-conservative amino acid change in the encoded protein sequence. Algorithms developed to predict the effect of missense changes on protein structure and function are either unavailable or do not agree on the potential impact of this missense change. The variant was absent in 154482 control chromosomes. The available data on variant occurrences in the general population are insufficient to allow any conclusion about variant significance. To our knowledge, no occurrence of c.4948A>G in individuals affected with CHD3-related conditions and no experimental evidence demonstrating its impact on protein function have been reported. No submitters have cited clinical-significance assessments for this variant to ClinVar. Based on the evidence outlined above, the variant was classified as uncertain significance.